The following is an entry in ClinVar:

ClinVar aggregate classification (germline): Pathogenic (1 of 4 stars; one submission).

Submission:

Labcorp Genetics (formerly Invitae), Labcorp
Classification: Pathogenic. Last evaluated: 2021-01-27. Review status: criteria provided, single submitter. Criteria: Invitae Variant Classification Sherloc (09022015). Collection method: clinical testing. Allele origin: germline.
Comment: This sequence change creates a premature translational stop signal (p.Tyr362*) in the SZT2 gene. It is expected to result in an absent or disrupted protein product. Loss-of-function variants in SZT2 are known to be pathogenic (PMID: 23932106, 27248490, 28556953). This variant is not present in population databases (ExAC no frequency). This variant has not been reported in the literature in individuals with SZT2-related conditions. Algorithms developed to predict the effect of sequence changes on RNA splicing suggest that this variant may create or strengthen a splice site, but this prediction has not been confirmed by published transcriptional studies. For these reasons, this variant has been classified as Pathogenic.

Literature cited by the submitters: PubMed 23932106; PubMed 27248490; PubMed 28556953.

NM_001365999.1(SZT2):c.1086C>G (p.Tyr362Ter)

Gene: SZT2 (SZT2 subunit of KICSTOR complex; plus strand). Cytogenetic location: 1p34.2.
Variant type: single nucleotide variant.
Coding change: c.1086C>G on transcript NM_001365999.1 (MANE Select); coding-DNA position 1086, C replaced by G.
Protein change: p.Tyr362Ter; replaces tyrosine 362 with a stop codon.
Molecular consequence: nonsense.
Genome position (GRCh38, 1-based): chr1:43,419,940, C>G. VCF-style: chr1-43419940-C-G. GRCh37 (hg19) VCF-style: chr1-43885611-C-G.
Other names: c.1086C>G, p.Tyr362Ter (NM_015284.4); short protein forms Y362*.
Identifiers: ClinVar variation 1369411 (VCV001369411.1), dbSNP rs756731280, ClinGen allele CA340006381.